The following is an entry in ClinVar:

ClinVar aggregate classification (germline): Uncertain significance (1 of 4 stars; one submission).

Conditions:
Inborn genetic diseases. Identifiers: MedGen C0950123, MeSH D030342.

Submission:

Ambry Genetics
Classification: Uncertain significance for Inborn genetic diseases. Last evaluated: 2025-07-12. Review status: criteria provided, single submitter. Criteria: Ambry Variant Classification Scheme 2023. Collection method: clinical testing. Allele origin: germline.
Comment: The p.W70R variant (also known as c.208T>A), located in coding exon 2 of the BMPR2 gene, results from a T to A substitution at nucleotide position 208. The tryptophan at codon 70 is replaced by arginine, an amino acid with dissimilar properties. This amino acid position is conserved. In addition, this alteration is predicted to be deleterious by in silico analysis. Based on the available evidence, the clinical significance of this variant remains unclear.

NM_001204.7(BMPR2):c.208T>A (p.Trp70Arg)

Gene: BMPR2 (bone morphogenetic protein receptor type 2; plus strand). Cytogenetic location: 2q33.1.
Variant type: single nucleotide variant.
Coding change: c.208T>A on transcript NM_001204.7 (MANE Select); coding-DNA position 208, T replaced by A.
Protein change: p.Trp70Arg; replaces tryptophan 70 with arginine.
Molecular consequence: missense variant.
Genome position (GRCh38, 1-based): chr2:202,464,940, T>A. VCF-style: chr2-202464940-T-A. GRCh37 (hg19) VCF-style: chr2-203329663-T-A.
Other names: short protein forms W70R.
Identifiers: ClinVar variation 4214438 (VCV004214438.1).